The following is an entry in ClinVar:

ClinVar aggregate classification (germline): Uncertain significance. Review status: criteria provided, multiple submitters, no conflicts (2 of 4 stars). 2 submissions from 2 submitters: Uncertain significance (2). Last evaluated 2025-07-31.

Conditions:
Congenital myasthenic syndrome 10. Also called: Myasthenia, limb-girdle, familial. Identifiers: Orphanet 590, MedGen C1850792, MONDO:0009690, OMIM 254300.
Fetal akinesia deformation sequence 1 (FADS1). Also called: Fetal akinesia sequence; Pena-Shokeir syndrome type I. Identifiers: Orphanet 994, MedGen C1276035, MONDO:0100101, OMIM 208150, HP:0001989.
Inborn genetic diseases. Identifiers: MedGen C0950123, MeSH D030342.

Allele frequency attached by ClinVar (database versions not stated): ExAC 0.00001; gnomAD 0.00001; TOPMed 0.00001; gnomAD exomes 0.00002.

Submissions (2):

Ambry Genetics
Classification: Uncertain significance for Inborn genetic diseases. Last evaluated: 2025-07-31. Review status: criteria provided, single submitter. Criteria: Ambry Variant Classification Scheme 2023. Collection method: clinical testing. Allele origin: germline.

Labcorp Genetics (formerly Invitae), Labcorp
Classification: Uncertain significance for Congenital myasthenic syndrome 10; Fetal akinesia deformation sequence 1. Last evaluated: 2022-01-07. Review status: criteria provided, single submitter. Criteria: Invitae Variant Classification Sherloc (09022015). Collection method: clinical testing. Allele origin: germline.
Comment: This sequence change replaces threonine, which is neutral and polar, with methionine, which is neutral and non-polar, at codon 58 of the DOK7 protein (p.Thr58Met). This variant is present in population databases (rs765265672, gnomAD 0.006%). This variant has not been reported in the literature in individuals affected with DOK7-related conditions. Algorithms developed to predict the effect of missense changes on protein structure and function output the following: SIFT: "Deleterious"; PolyPhen-2: "Benign"; Align-GVGD: "Class C0". The methionine amino acid residue is found in multiple mammalian species, which suggests that this missense change does not adversely affect protein function. In summary, the available evidence is currently insufficient to determine the role of this variant in disease. Therefore, it has been classified as a Variant of Uncertain Significance.

NM_173660.5(DOK7):c.173C>T (p.Thr58Met)

Gene: DOK7 (docking protein 7; plus strand). Cytogenetic location: 4p16.3.
Variant type: single nucleotide variant.
Coding change: c.173C>T on transcript NM_173660.5 (MANE Select); coding-DNA position 173, C replaced by T.
Protein change: p.Thr58Met; replaces threonine 58 with methionine.
Molecular consequence: missense variant. On other transcripts: intron variant (1).
Genome position (GRCh38, 1-based): chr4:3,473,478, C>T. VCF-style: chr4-3473478-C-T. GRCh37 (hg19) VCF-style: chr4-3475205-C-T.
Other names: c.173C>T, p.Thr58Met (NM_001164673.2, NM_001301071.2); c.100+9927C>T (NM_001363811.2); c.173C>T (NM_173660.4); short protein forms T58M.
Identifiers: ClinVar variation 2162660 (VCV002162660.2), dbSNP rs765265672, ClinGen allele CA2828897.